The following is an entry in ClinVar:

ClinVar aggregate classification (germline): Uncertain significance (1 of 4 stars; one submission).

Conditions:
Emery-Dreifuss muscular dystrophy 5, autosomal dominant (EDMD5). Also called: EMERY-DREIFUSS MUSCULAR DYSTROPHY 5. Identifiers: Orphanet 261, MedGen C2751805, MONDO:0013072, OMIM 612999.

Allele frequency attached by ClinVar (database versions not stated): gnomAD 0.00001; TOPMed 0.00002.
gnomAD v4.1: 35 of 1,614,032 alleles (0.0022%); highest among the groups gnomAD compares: Non-Finnish European, 0.003%; no homozygotes.

Submission:

Labcorp Genetics (formerly Invitae), Labcorp
Classification: Uncertain significance for Emery-Dreifuss muscular dystrophy 5, autosomal dominant. Last evaluated: 2023-02-16. Review status: criteria provided, single submitter. Criteria: Invitae Variant Classification Sherloc (09022015). Collection method: clinical testing. Allele origin: germline.
Comment: This variant is present in population databases (rs528334179, gnomAD 0.006%). This sequence change replaces proline, which is neutral and non-polar, with arginine, which is basic and polar, at codon 6513 of the SYNE2 protein (p.Pro6513Arg). This variant has not been reported in the literature in individuals affected with SYNE2-related conditions. In summary, the available evidence is currently insufficient to determine the role of this variant in disease. Therefore, it has been classified as a Variant of Uncertain Significance. An algorithm developed to predict the effect of missense changes on protein structure and function (PolyPhen-2) suggests that this variant is likely to be tolerated.

NM_182914.3(SYNE2):c.19538C>G (p.Pro6513Arg)

Gene: SYNE2 (spectrin repeat containing nuclear envelope protein 2; plus strand). Cytogenetic location: 14q23.2.
Variant type: single nucleotide variant.
Coding change: c.19538C>G on transcript NM_182914.3 (MANE Select); coding-DNA position 19538, C replaced by G.
Protein change: p.Pro6513Arg; replaces proline 6513 with arginine.
Molecular consequence: missense variant.
Genome position (GRCh38, 1-based): chr14:64,216,383, C>G. VCF-style: chr14-64216383-C-G. GRCh37 (hg19) VCF-style: chr14-64683101-C-G.
Other names: c.19469C>G, p.Pro6490Arg (NM_015180.6); c.62C>G, p.Pro21Arg (NM_182910.2); c.440C>G, p.Pro147Arg (NM_182913.4); short protein forms P147R, P6490R, P6513R, P21R.
Identifiers: ClinVar variation 2718201 (VCV002718201.3), dbSNP rs528334179, ClinGen allele CA261827500.